The following is an entry in ClinVar:

NM_001042492.3(NF1):c.2024dup (p.Thr676fs)

Gene: NF1 (neurofibromin 1; plus strand). Cytogenetic location: 17q11.2.
Variant type: Duplication.
Coding change: c.2024dup on transcript NM_001042492.3 (MANE Select); coding-DNA position 2024, one base duplicated (G; older notation c.2024dupG).
Protein change: p.Thr676fs; shifts the reading frame from threonine 676.
Molecular consequence: frameshift variant.
Genome position (GRCh38, 1-based): chr17:31,226,457, G duplicated; the last of 2 consecutive G bases (chr17:31,226,456-31,226,457); duplicating either gives the same sequence. VCF-style (leftmost placement, unchanged base first): chr17-31226455-C-CG. GRCh37 (hg19) VCF-style: chr17-29553473-C-CG.
Other names: c.2024dup, p.Thr676Asnfs (NM_000267.4); short protein forms T676fs.
Identifiers: ClinVar variation 2736520 (VCV002736520.3), dbSNP rs2508154398, ClinGen allele CA2695225297.

ClinVar aggregate classification (germline): Pathogenic (1 of 4 stars; one submission).

Conditions:
Neurofibromatosis, type 1 (NF1). Also called: Neurofibromatosis, type I; Peripheral type neurofibromatosis; VON RECKLINGHAUSEN DISEASE; NEUROFIBROMATOSIS, TYPE I, SOMATIC. Identifiers: Orphanet 636, MedGen C0027831, MONDO:0018975, OMIM 162200. Disease mechanism: loss of function.

Submission:

Labcorp Genetics (formerly Invitae), Labcorp
Classification: Pathogenic for Neurofibromatosis, type 1. Last evaluated: 2023-05-22. Review status: criteria provided, single submitter. Criteria: Invitae Variant Classification Sherloc (09022015). Collection method: clinical testing. Allele origin: germline.
Comment: This sequence change creates a premature translational stop signal (p.Thr676Asnfs*24) in the NF1 gene. It is expected to result in an absent or disrupted protein product. Loss-of-function variants in NF1 are known to be pathogenic (PMID: 10712197, 23913538). This variant is not present in population databases (gnomAD no frequency). This premature translational stop signal has been observed in individual(s) with neurofibromatosis type 1 and pheochromocytoma (PMID: 17426081). For these reasons, this variant has been classified as Pathogenic.

Literature cited by the submitters: PubMed 10712197; PubMed 23913538; PubMed 17426081.